The following is an entry in ClinVar:

NM_001114753.3(ENG):c.754_756del (p.Ile252del)

Gene: ENG (endoglin; minus strand). Cytogenetic location: 9q34.11.
Variant type: Deletion.
Coding change: c.754_756del on transcript NM_001114753.3 (MANE Select); coding-DNA positions 754 to 756, 3 bases deleted (ATC; older notation c.754_756delATC).
Protein change: p.Ile252del; deletes isoleucine 252.
Molecular consequence: inframe deletion.
Genome position (GRCh38, 1-based): chr9:127,825,291-127,825,293, GAT deleted on the plus strand (ATC on the coding strand, the reverse complement: ENG is on the minus strand); deleting any 3 consecutive bases within chr9:127,825,291-127,825,295 gives the same sequence; the c. name uses the placement nearest the transcript's 3' end. VCF-style (leftmost placement, unchanged base first): chr9-127825290-GGAT-G. GRCh37 (hg19) VCF-style: chr9-130587569-GGAT-G.
Other names: c.754_756del, p.Ile252del (NM_000118.4, NM_001406715.1); c.208_210del, p.Ile70del (NM_001278138.2); short protein forms I252del, I70del.
Identifiers: ClinVar variation 2836007 (VCV002836007.3), dbSNP rs2539074167, ClinGen allele CA2739265071.

ClinVar aggregate classification (germline): Pathogenic (1 of 4 stars; one submission).

Conditions:
Hereditary hemorrhagic telangiectasia (HHT). Also called: ORW DISEASE; Osler Weber Rendu syndrome; OSLER-RENDU-WEBER DISEASE; Osler hemorrhagic telangiectasia syndrome. Identifiers: Orphanet 774, MedGen C0039445, MONDO:0019180. Disease mechanism: loss of function.

Submission:

Labcorp Genetics (formerly Invitae), Labcorp
Classification: Pathogenic for Hereditary hemorrhagic telangiectasia. Last evaluated: 2023-02-10. Review status: criteria provided, single submitter. Criteria: Invitae Variant Classification Sherloc (09022015). Collection method: clinical testing. Allele origin: germline.
Comment: This variant, c.754_756del, results in the deletion of 1 amino acid(s) of the ENG protein (p.Ile252del), but otherwise preserves the integrity of the reading frame. This variant is not present in population databases (gnomAD no frequency). This variant has been observed in individual(s) with hereditary hemorrhagic telangiectasia (Invitae). This variant disrupts a region of the ENG protein in which other variant(s) (p.Ile252Thr) have been determined to be pathogenic (PMID: 25312062). This suggests that this is a clinically significant region of the protein, and that variants that disrupt it are likely to be disease-causing. For these reasons, this variant has been classified as Pathogenic.

Literature cited by the submitters: PubMed 25312062.